The following is an entry in ClinVar:

ClinVar aggregate classification (germline): Uncertain significance (1 of 4 stars; one submission).

Conditions:
Short-rib thoracic dysplasia 14 with polydactyly (SRTD14). Identifiers: Orphanet 397715, MedGen C4225286, MONDO:0014688, OMIM 616546.
Joubert syndrome 23 (JBTS23). Identifiers: Orphanet 475, MedGen C4084822, MONDO:0014664, OMIM 616490.

gnomAD v4.1: 5 of 1,613,528 alleles (0.00031%); highest among the groups gnomAD compares: Non-Finnish European, 0.00042%; no homozygotes.

Submission:

Labcorp Genetics (formerly Invitae), Labcorp
Classification: Uncertain significance for Joubert syndrome 23; Short-rib thoracic dysplasia 14 with polydactyly. Last evaluated: 2023-04-24. Review status: criteria provided, single submitter. Criteria: Invitae Variant Classification Sherloc (09022015). Collection method: clinical testing. Allele origin: germline.
Comment: This variant has not been reported in the literature in individuals affected with KIAA0586-related conditions. This variant is not present in population databases (gnomAD no frequency). This sequence change replaces lysine, which is basic and polar, with arginine, which is basic and polar, at codon 287 of the KIAA0586 protein (p.Lys287Arg). ClinVar contains an entry for this variant (Variation ID: 1715396). In summary, the available evidence is currently insufficient to determine the role of this variant in disease. Therefore, it has been classified as a Variant of Uncertain Significance. Advanced modeling of protein sequence and biophysical properties (such as structural, functional, and spatial information, amino acid conservation, physicochemical variation, residue mobility, and thermodynamic stability) performed at Invitae indicates that this missense variant is not expected to disrupt KIAA0586 protein function.

NM_001329943.3(KIAA0586):c.701A>G (p.Lys234Arg)

Gene: KIAA0586 (KIAA0586; plus strand). Cytogenetic location: 14q23.1.
Variant type: single nucleotide variant.
Coding change: c.701A>G on transcript NM_001329943.3 (MANE Select); coding-DNA position 701, A replaced by G.
Protein change: p.Lys234Arg; replaces lysine 234 with arginine.
Molecular consequence: missense variant.
Genome position (GRCh38, 1-based): chr14:58,444,069, A>G. VCF-style: chr14-58444069-A-G. GRCh37 (hg19) VCF-style: chr14-58910787-A-G.
Other names: c.701A>G, p.Lys234Arg (NM_001329947.2, NM_014749.5, NM_001329944.2 and 1 more transcripts); c.446A>G, p.Lys149Arg (NM_001364700.1, NM_001364701.2, NM_001244191.2 and 1 more transcripts); c.860A>G, p.Lys287Arg (NM_001244189.2); c.656A>G, p.Lys219Arg (NM_001244190.2); c.569A>G, p.Lys190Arg (NM_001244192.2); c.281A>G, p.Lys94Arg (NM_001244193.2); short protein forms K149R, K190R, K219R, K234R, K287R, K94R.
Identifiers: ClinVar variation 1715396 (VCV001715396.5), dbSNP rs1269205596, ClinGen allele CA389862605.
Genomic context (GRCh38, chr14:58,444,069, plus strand): 5'-TACAGGAGACTGATAAACACCTGCAACGTGTTACAGAGCAGCAAACAAGCATTCAGAGGA[A>G]ACAAGAGAAATTACATTGTCATGATCACGAAAAGCAAATGAATGTGTTTATGGAGCAGCA-3'
Protein context (NP_001316872.1, residues 224-244): VTEQQTSIQR[Lys234Arg]QEKLHCHDHE